The following is an entry in ClinVar:

NM_001195248.2(APTX):c.132A>G (p.Gln44=)

Gene: APTX (aprataxin; minus strand). Cytogenetic location: 9p21.1.
Variant type: single nucleotide variant.
Coding change: c.132A>G on transcript NM_001195248.2 (MANE Select); coding-DNA position 132, A replaced by G.
Protein change: p.Gln44=; no amino-acid change (glutamine 44 retained).
Molecular consequence: synonymous variant. On other transcripts: 5 prime UTR variant (8), non-coding transcript variant (13).
Genome position (GRCh38, 1-based): chr9:32,989,760, T>C on the plus strand (A>G on the coding strand, the complement: APTX is on the minus strand). VCF-style: chr9-32989760-T-C. GRCh37 (hg19) VCF-style: chr9-32989758-T-C.
Other names: c.132A>G, p.Gln44= (NM_001195249.2, NM_001195250.2, NM_001195251.2 and 11 more transcripts); c.-128A>G (NM_001369002.1, NM_001369003.1, NM_001369005.1 and 4 more transcripts); c.-86A>G (NM_001369004.1); c.-276A>G (NM_175071.1).
Identifiers: ClinVar variation 2789065 (VCV002789065.3), dbSNP rs1833107116, ClinGen allele CA464275822.

ClinVar aggregate classification (germline): Uncertain significance (1 of 4 stars; one submission).

Submission:

Labcorp Genetics (formerly Invitae), Labcorp
Classification: Uncertain significance. Last evaluated: 2023-07-24. Review status: criteria provided, single submitter. Criteria: Invitae Variant Classification Sherloc (09022015). Collection method: clinical testing. Allele origin: germline.
Comment: In summary, the available evidence is currently insufficient to determine the role of this variant in disease. Therefore, it has been classified as a Variant of Uncertain Significance. Algorithms developed to predict the effect of sequence changes on RNA splicing suggest that this variant is not likely to affect RNA splicing. This variant has not been reported in the literature in individuals affected with APTX-related conditions. This variant is not present in population databases (gnomAD no frequency). This sequence change affects codon 44 of the APTX mRNA. It is a 'silent' change, meaning that it does not change the encoded amino acid sequence of the APTX protein. It affects a nucleotide within the consensus splice site.